The following is an entry in ClinVar:

NM_006031.6(PCNT):c.7459C>G (p.Leu2487Val)

Gene: PCNT (pericentrin; plus strand). Cytogenetic location: 21q22.3.
Variant type: single nucleotide variant.
Coding change: c.7459C>G on transcript NM_006031.6 (MANE Select); coding-DNA position 7459, C replaced by G.
Protein change: p.Leu2487Val; replaces leucine 2487 with valine.
Molecular consequence: missense variant.
Genome position (GRCh38, 1-based): chr21:46,427,760, C>G. VCF-style: chr21-46427760-C-G. GRCh37 (hg19) VCF-style: chr21-47847674-C-G.
Other names: c.7105C>G, p.Leu2369Val (NM_001315529.2); short protein forms L2487V, L2369V.
Identifiers: ClinVar variation 211882 (VCV000211882.21), dbSNP rs201185279, ClinGen allele CA208930.

ClinVar aggregate classification (germline): Conflicting classifications of pathogenicity. Review status: criteria provided, conflicting classifications (1 of 4 stars). 7 submissions from 7 submitters: Uncertain significance (1); Benign (1); Likely benign (2). 3 of the submissions do not count toward it. Last evaluated 2025-11-01.

Conditions:
PCNT-related disorder. Also called: PCNT-related condition.
Microcephalic osteodysplastic primordial dwarfism type II (MOPD2). Also called: MOPD II; OSTEODYSPLASTIC PRIMORDIAL DWARFISM, TYPE II; Microcephalic osteodysplastic primordial dwarfism with tooth abnormalities. Identifiers: Orphanet 2637, MedGen C0432246, MONDO:0008872, OMIM 210720.

Allele frequency attached by ClinVar (database versions not stated): gnomAD exomes 0.00010 and 0.00043; gnomAD 0.00014 and 0.00020; TOPMed 0.00023; 1000 Genomes Project 30x 0.00047; ExAC 0.00055; 1000 Genomes Project 0.00060.
gnomAD v4.1: 176 of 1,613,744 alleles (0.011%); highest among the groups gnomAD compares: East Asian, 0.37%; 1 homozygote.

Submissions (7):

Labcorp Genetics (formerly Invitae), Labcorp
Classification: Benign. Last evaluated: 2025-11-01. Review status: criteria provided, single submitter. Criteria: Invitae Variant Classification Sherloc (09022015). Collection method: clinical testing. Allele origin: germline.

GeneDx
Classification: Likely benign. Last evaluated: 2018-01-12. Review status: criteria provided, single submitter. Criteria: GeneDx Variant Classification (06012015). Collection method: clinical testing. Allele origin: germline. Affected: yes.
Comment: This variant is considered likely benign or benign based on one or more of the following criteria: it is a conservative change, it occurs at a poorly conserved position in the protein, it is predicted to be benign by multiple in silico algorithms, and/or has population frequency not consistent with disease.

Illumina Laboratory Services, Illumina
Classification: Likely benign for Microcephalic osteodysplastic primordial dwarfism type II. Last evaluated: 2018-01-12. Review status: criteria provided, single submitter. Criteria: ICSL Variant Classification Criteria 13 December 2019. Collection method: clinical testing. Allele origin: germline.
Comment: This variant was observed in the ICSL laboratory as part of a predisposition screen in an ostensibly healthy population. It had not been previously curated by ICSL or reported in the Human Gene Mutation Database (HGMD: prior to June 1st, 2018), and was therefore a candidate for classification through an automated scoring system. Utilizing variant allele frequency, disease prevalence and penetrance estimates, and inheritance mode, an automated score was calculated to assess if this variant is too frequent to cause the disease. Based on the score and internal cut-off values, a variant classified as likely benign is not then subjected to further curation. The score for this variant resulted in a classification of likely benign for this disease.

Genetic Services Laboratory, University of Chicago
Classification: Uncertain significance. Last evaluated: 2014-08-20. Review status: criteria provided, single submitter. Criteria: ACMG Guidelines, 2015. Collection method: clinical testing. Allele origin: germline.

PreventionGenetics, part of Exact Sciences
Classification: Likely benign for PCNT-related condition. Last evaluated: 2020-03-03. Review status: no assertion criteria provided. Collection method: clinical testing. Allele origin: germline. Not counted in ClinVar's aggregate classification.
Comment: This variant is classified as likely benign based on ACMG/AMP sequence variant interpretation guidelines (Richards et al. 2015 PMID: 25741868, with internal and published modifications).

Clinical Genetics DNA and cytogenetics Diagnostics Lab, Erasmus MC, Erasmus Medical Center
Classification: Likely benign. Review status: no assertion criteria provided. Collection method: clinical testing. Allele origin: germline. Affected: yes. Study: VKGL Data-share Consensus. Not counted in ClinVar's aggregate classification.

Laboratory of Diagnostic Genome Analysis, Leiden University Medical Center (LUMC)
Classification: Likely benign. Review status: no assertion criteria provided. Collection method: clinical testing. Allele origin: germline. Affected: yes. Study: VKGL Data-share Consensus. Not counted in ClinVar's aggregate classification.